The following is an entry in ClinVar:

ClinVar aggregate classification (germline): Benign/Likely benign. Review status: criteria provided, multiple submitters, no conflicts (2 of 4 stars). 5 submissions from 5 submitters: Benign (4); Likely benign (1). Last evaluated 2026-01-28.

Conditions:
Primary ciliary dyskinesia. Also called: Ciliary dyskinesia. Identifiers: Orphanet 244, MedGen C0008780, MONDO:0016575, HP:0012265.

Allele frequency attached by ClinVar (database versions not stated): gnomAD 0.00002 and 0.00062; TOPMed 0.00010; gnomAD exomes 0.00116 and 0.00234; 1000 Genomes Project 0.00319; 1000 Genomes Project 30x 0.00344; ExAC 0.00348.
gnomAD v4.1: 1,789 of 1,610,404 alleles (0.11%); highest among the groups gnomAD compares: South Asian, 1.8%; 46 homozygotes.

Submissions (5):

Labcorp Genetics (formerly Invitae), Labcorp
Classification: Benign for Primary ciliary dyskinesia. Last evaluated: 2026-01-28. Review status: criteria provided, single submitter. Criteria: Invitae Variant Classification Sherloc (09022015). Collection method: clinical testing. Allele origin: germline.

Mayo Clinic Laboratories, Mayo Clinic
Classification: Benign. Last evaluated: 2025-02-21. Review status: criteria provided, single submitter. Criteria: ACMG Guidelines, 2015. Collection method: clinical testing. Allele origin: germline. Observed: 1 variant allele.
Comment: BS1, BS2

CeGaT Center for Human Genetics Tuebingen
Classification: Benign. Last evaluated: 2023-01-01. Review status: criteria provided, single submitter. Criteria: CeGaT Center For Human Genetics Tuebingen Variant Classification Criteria Version 2. Collection method: clinical testing. Allele origin: germline. Affected: yes. Observed: 1 variant allele.
Comment: DNAH11: BP4, BS1, BS2

GeneDx
Classification: Likely benign. Last evaluated: 2021-02-17. Review status: criteria provided, single submitter. Criteria: GeneDx Variant Classification Process June 2021. Collection method: clinical testing. Allele origin: germline. Affected: yes.
Comment: See Variant Classification Assertion Criteria.

Ambry Genetics
Classification: Benign for Primary ciliary dyskinesia. Last evaluated: 2017-09-28. Review status: criteria provided, single submitter. Criteria: Ambry Variant Classification Scheme 2023. Collection method: clinical testing. Allele origin: germline.

Literature cited by the submitters: PubMed 24498942 (cited by Mayo Clinic Laboratories, Mayo Clinic); PubMed 35885997 (cited by Mayo Clinic Laboratories, Mayo Clinic).

NM_001277115.2(DNAH11):c.10877C>A (p.Pro3626Gln)

Gene: DNAH11 (dynein axonemal heavy chain 11; plus strand). Cytogenetic location: 7p15.3.
Variant type: single nucleotide variant.
Coding change: c.10877C>A on transcript NM_001277115.2 (MANE Select); coding-DNA position 10877, C replaced by A.
Protein change: p.Pro3626Gln; replaces proline 3626 with glutamine.
Molecular consequence: missense variant.
Genome position (GRCh38, 1-based): chr7:21,842,729, C>A. VCF-style: chr7-21842729-C-A. GRCh37 (hg19) VCF-style: chr7-21882347-C-A.
Other names: p.Pro3626Gln; short protein forms P3626Q.
Identifiers: ClinVar variation 454633 (VCV000454633.41), dbSNP rs543364800, ClinGen allele CA4182508.